The following is an entry in ClinVar:

NM_001378454.1(ALMS1):c.3725C>G (p.Thr1242Arg)

Gene: ALMS1 (ALMS1 centrosome and basal body associated protein; plus strand). Cytogenetic location: 2p13.1.
Variant type: single nucleotide variant.
Coding change: c.3725C>G on transcript NM_001378454.1 (MANE Select); coding-DNA position 3725, C replaced by G.
Protein change: p.Thr1242Arg; replaces threonine 1242 with arginine.
Molecular consequence: missense variant.
Genome position (GRCh38, 1-based): chr2:73,450,252, C>G. VCF-style: chr2-73450252-C-G. GRCh37 (hg19) VCF-style: chr2-73677379-C-G.
Other names: c.3728C>G, p.Thr1243Arg (NM_015120.4); short protein forms T1242R, T1243R.
Identifiers: ClinVar variation 1413601 (VCV001413601.4), dbSNP rs1238618740, ClinGen allele CA347276374.

ClinVar aggregate classification (germline): Uncertain significance (1 of 4 stars; one submission).

Conditions:
Alstrom syndrome (ALMS). Identifiers: Orphanet 64, MedGen C0268425, MONDO:0008763, OMIM 203800.

Allele frequency attached by ClinVar (database versions not stated): gnomAD exomes below 0.00001.
gnomAD v4.1: 1 of 1,613,588 alleles (0.000062%); highest among the groups gnomAD compares: African/African-American, 0.0013%; no homozygotes.

Submission:

Labcorp Genetics (formerly Invitae), Labcorp
Classification: Uncertain significance for Alstrom syndrome. Last evaluated: 2021-06-20. Review status: criteria provided, single submitter. Criteria: Invitae Variant Classification Sherloc (09022015). Collection method: clinical testing. Allele origin: germline.
Comment: In summary, the available evidence is currently insufficient to determine the role of this variant in disease. Therefore, it has been classified as a Variant of Uncertain Significance. Experimental studies and prediction algorithms are not available or were not evaluated, and the functional significance of this variant is currently unknown. This variant has not been reported in the literature in individuals affected with ALMS1-related conditions. This variant is not present in population databases (ExAC no frequency). This sequence change replaces threonine with arginine at codon 1243 of the ALMS1 protein (p.Thr1243Arg). The threonine residue is weakly conserved and there is a moderate physicochemical difference between threonine and arginine.